The following is an entry in ClinVar:

ClinVar aggregate classification (germline): Uncertain significance (1 of 4 stars; one submission).

Submission:

CeGaT Center for Human Genetics Tuebingen
Classification: Uncertain significance. Last evaluated: 2026-02-01. Review status: criteria provided, single submitter. Criteria: CeGaT Center For Human Genetics Tuebingen Variant Classification Criteria Version 2. Collection method: clinical testing. Allele origin: germline. Affected: yes. Observed: 1 variant allele.
Comment: LTBP4: PM2, PP3

NM_001042545.2(LTBP4):c.1969G>T (p.Gly657Cys)

Gene: LTBP4 (latent transforming growth factor beta binding protein 4; plus strand). Cytogenetic location: 19q13.2.
Variant type: single nucleotide variant.
Coding change: c.1969G>T on transcript NM_001042545.2 (MANE Select); coding-DNA position 1969, G replaced by T.
Protein change: p.Gly657Cys; replaces glycine 657 with cysteine.
Molecular consequence: missense variant.
Genome position (GRCh38, 1-based): chr19:40,611,310, G>T. VCF-style: chr19-40611310-G-T. GRCh37 (hg19) VCF-style: chr19-41117216-G-T.
Other names: c.2170G>T, p.Gly724Cys (NM_001042544.1); c.2059G>T, p.Gly687Cys (NM_003573.2); short protein forms G657C, G687C, G724C.
Identifiers: ClinVar variation 4821619 (VCV004821619.4).